The following is an entry in ClinVar:

NM_005732.4(RAD50):c.1100G>A (p.Arg367Lys)

Gene: RAD50 (RAD50 double strand break repair protein; plus strand). Cytogenetic location: 5q31.1.
Variant type: single nucleotide variant.
Coding change: c.1100G>A on transcript NM_005732.4 (MANE Select); coding-DNA position 1100, G replaced by A.
Protein change: p.Arg367Lys; replaces arginine 367 with lysine.
Molecular consequence: missense variant.
Genome position (GRCh38, 1-based): chr5:132,588,735, G>A. VCF-style: chr5-132588735-G-A. GRCh37 (hg19) VCF-style: chr5-131924427-G-A.
Other names: short protein forms R367K.
Identifiers: ClinVar variation 3942169 (VCV003942169.1).

ClinVar aggregate classification (germline): Uncertain significance (1 of 4 stars; one submission).

Conditions:
Hereditary cancer-predisposing syndrome. Also called: Tumor predisposition; Hereditary neoplastic syndrome; Hereditary Cancer Syndrome; Neoplastic Syndromes, Hereditary. Identifiers: Orphanet 140162, MedGen C0027672, MeSH D009386, MONDO:0015356.

Submission:

Ambry Genetics
Classification: Uncertain significance for Hereditary cancer-predisposing syndrome. Last evaluated: 2025-04-17. Review status: criteria provided, single submitter. Criteria: Ambry Variant Classification Scheme 2023. Collection method: clinical testing. Allele origin: germline.
Comment: The p.R367K variant (also known as c.1100G>A), located in coding exon 8 of the RAD50 gene, results from a G to A substitution at nucleotide position 1100. The arginine at codon 367 is replaced by lysine, an amino acid with highly similar properties. This amino acid position is conserved. In addition, the in silico prediction for this alteration is inconclusive. Based on the available evidence, the clinical significance of this variant remains unclear.